The following is an entry in ClinVar:

NM_016145.4(WDR83OS):c.16A>G (p.Met6Val)

Genes: WDR83 (WD repeat domain 83; plus strand), WDR83OS (WD repeat domain 83 opposite strand; minus strand). Cytogenetic location: 19p13.13.
Variant type: single nucleotide variant.
Coding change: c.16A>G on transcript NM_016145.4 (MANE Select); coding-DNA position 16, A replaced by G.
Protein change: p.Met6Val; replaces methionine 6 with valine.
Molecular consequence: missense variant. On other transcripts: intron variant (1).
Genome position (GRCh38, 1-based): chr19:12,669,388, T>C on the plus strand (A>G on the coding strand, the complement: WDR83OS is on the minus strand). VCF-style: chr19-12669388-T-C. GRCh37 (hg19) VCF-style: chr19-12780202-T-C.
Other names: c.16A>G (NM_016145.3); c.-36-367T>C (NM_001099737.3); short protein forms M6V.
Identifiers: ClinVar variation 4074331 (VCV004074331.2).

ClinVar aggregate classification (germline): Uncertain significance. Review status: criteria provided, multiple submitters, no conflicts (2 of 4 stars). 2 submissions from 2 submitters: Uncertain significance (2). Last evaluated 2025-09-04.

gnomAD v4.1: 7 of 1,600,544 alleles (0.00044%); highest among the groups gnomAD compares: Admixed American, 0.0035%; no homozygotes.

Submissions (2):

Ambry Genetics
Classification: Uncertain significance. Last evaluated: 2025-09-04. Review status: criteria provided, single submitter. Criteria: Ambry Variant Classification Scheme 2023. Collection method: clinical testing. Allele origin: germline.

GeneDx
Classification: Uncertain significance. Last evaluated: 2025-02-11. Review status: criteria provided, single submitter. Criteria: GeneDx Variant Classification Process June 2021. Collection method: clinical testing. Allele origin: germline. Affected: yes.
Comment: In silico analysis indicates that this missense variant does not alter protein structure/function; Has not been previously published as pathogenic or benign to our knowledge